The following is an entry in ClinVar:

ClinVar aggregate classification (germline): Uncertain significance (1 of 4 stars; one submission).

Conditions:
Hypertrophic cardiomyopathy 19. Also called: Familial hypertrophic cardiomyopathy 19. Identifiers: MedGen CN077603, MONDO:0013476.

Submission:

Labcorp Genetics (formerly Invitae), Labcorp
Classification: Uncertain significance for Hypertrophic cardiomyopathy 19. Last evaluated: 2024-06-28. Review status: criteria provided, single submitter. Criteria: Invitae Variant Classification Sherloc (09022015). Collection method: clinical testing. Allele origin: germline.
Comment: This sequence change creates a premature translational stop signal (p.Gly167Alafs*8) in the CALR3 gene. It is expected to result in an absent or disrupted protein product. However, the current clinical and genetic evidence is not sufficient to establish whether loss-of-function variants in CALR3 cause disease. This variant is present in population databases (no rsID available, gnomAD 0.003%). This variant has not been reported in the literature in individuals affected with CALR3-related conditions. Algorithms developed to predict the effect of sequence changes on RNA splicing suggest that this variant may disrupt the consensus splice site. In summary, the available evidence is currently insufficient to determine the role of this variant in disease. Therefore, it has been classified as a Variant of Uncertain Significance.

NM_145046.5(CALR3):c.500del (p.Gly167fs)

Gene: CALR3 (calreticulin 3; minus strand). Cytogenetic location: 19p13.11.
Variant type: Deletion.
Coding change: c.500del on transcript NM_145046.5 (MANE Select); coding-DNA position 500, one base deleted (G; older notation c.500delG).
Protein change: p.Gly167fs; shifts the reading frame from glycine 167.
Molecular consequence: frameshift variant.
Genome position (GRCh38, 1-based): chr19:16,484,108, C deleted on the plus strand (G on the coding strand, the reverse complement: CALR3 is on the minus strand); the first of 2 consecutive C bases (chr19:16,484,108-16,484,109); deleting either gives the same sequence. VCF-style (leftmost placement, unchanged base first): chr19-16484107-GC-G. GRCh37 (hg19) VCF-style: chr19-16594918-GC-G.
Other names: short protein forms G167fs.
Identifiers: ClinVar variation 3658158 (VCV003658158.2).